The following is an entry in ClinVar:

ClinVar aggregate classification (germline): Benign/Likely benign. Review status: criteria provided, multiple submitters, no conflicts (2 of 4 stars). 22 submissions from 15 submitters: Benign (17); Likely benign (2). 3 of the submissions do not count toward it. Last evaluated 2026-02-04.

Conditions:
Cardiovascular phenotype. Identifiers: MedGen CN230736.
Dilated cardiomyopathy 1G (CMD1G). Identifiers: Orphanet 154, MedGen C1858763, MONDO:0011400, OMIM 604145.
Autosomal recessive limb-girdle muscular dystrophy type 2J (LGMDR10). Also called: MUSCULAR DYSTROPHY, LIMB-GIRDLE, AUTOSOMAL RECESSIVE 10; Limb-girdle muscular dystrophy, type 2J. Identifiers: Orphanet 140922, MedGen C1837342, MONDO:0012127, OMIM 608807.
Early-onset myopathy with fatal cardiomyopathy (CMYO5). Also called: CONGENITAL MYOPATHY 5 WITH CARDIOMYOPATHY; Salih Myopathy. Identifiers: Orphanet 289377, MedGen C2673677, MONDO:0012714, OMIM 611705. Disease mechanism: loss of function.
Myopathy, myofibrillar, 9, with early respiratory failure (MFM9). Also called: Myopathy, distal, with early respiratory failure, autosomal dominant; Hereditary myopathy with early respiratory failure; MYOPATHY, PROXIMAL, WITH EARLY RESPIRATORY MUSCLE INVOLVEMENT; EDSTROM MYOPATHY. Identifiers: Orphanet 178464, Orphanet 34521, MedGen C1863599, MONDO:0011362, OMIM 603689.
Tibial muscular dystrophy (TMD). Also called: Udd Distal Myopathy – Tibial Muscular Dystrophy; Tibial muscular dystrophy, tardive; UDD MYOPATHY. Identifiers: Orphanet 609, MedGen C1838244, MONDO:0010870, OMIM 600334.

Allele frequency attached by ClinVar (database versions not stated): ESP Exome Variant Server 0.03584; gnomAD exomes 0.04008 and 0.02824; ExAC 0.04012; gnomAD 0.04242 and 0.04073; TOPMed 0.04680; 1000 Genomes Project 0.07927; 1000 Genomes Project 30x 0.07776.
gnomAD v4.1: 48,240 of 1,613,654 alleles (3%); highest among the groups gnomAD compares: East Asian, 18%; 1,509 homozygotes.

Submissions (22):

Labcorp Genetics (formerly Invitae), Labcorp
Classification: Benign for Dilated cardiomyopathy 1G; Autosomal recessive limb-girdle muscular dystrophy type 2J. Last evaluated: 2026-02-04. Review status: criteria provided, single submitter. Criteria: Invitae Variant Classification Sherloc (09022015). Collection method: clinical testing. Allele origin: germline.

Molecular Diagnostic Laboratory for Inherited Cardiovascular Disease, Montreal Heart Institute
Classification: Benign. Last evaluated: 2025-04-09. Review status: criteria provided, single submitter. Criteria: ACMG Guidelines, 2015. Collection method: clinical testing. Allele origin: germline. Affected: no.

Women's Health and Genetics/Laboratory Corporation of America, LabCorp
Classification: Likely benign. Last evaluated: 2024-03-11. Review status: criteria provided, single submitter. Criteria: LabCorp Variant Classification Summary - May 2015. Collection method: clinical testing. Allele origin: germline.

Genome-Nilou Lab
Classification: Benign for Autosomal recessive limb-girdle muscular dystrophy type 2J. Last evaluated: 2021-09-10. Review status: criteria provided, single submitter. Criteria: ACMG Guidelines, 2015. Collection method: clinical testing. Allele origin: germline. Affected: no.

Genome-Nilou Lab
Classification: Benign for Myopathy, myofibrillar, 9, with early respiratory failure. Last evaluated: 2021-09-10. Review status: criteria provided, single submitter. Criteria: ACMG Guidelines, 2015. Collection method: clinical testing. Allele origin: germline. Affected: no.

Genome-Nilou Lab
Classification: Benign for Early-onset myopathy with fatal cardiomyopathy. Last evaluated: 2021-09-10. Review status: criteria provided, single submitter. Criteria: ACMG Guidelines, 2015. Collection method: clinical testing. Allele origin: germline. Affected: no.

Genome-Nilou Lab
Classification: Benign for Tibial muscular dystrophy. Last evaluated: 2021-09-10. Review status: criteria provided, single submitter. Criteria: ACMG Guidelines, 2015. Collection method: clinical testing. Allele origin: germline. Affected: no.

Illumina Laboratory Services, Illumina
Classification: Benign for Myopathy, myofibrillar, 9, with early respiratory failure. Last evaluated: 2018-01-13. Review status: criteria provided, single submitter. Criteria: ICSL Variant Classification Criteria 13 December 2019. Collection method: clinical testing. Allele origin: germline.
Comment: This variant was observed in the ICSL laboratory as part of a predisposition screen in an ostensibly healthy population. It had not been previously curated by ICSL or reported in the Human Gene Mutation Database (HGMD: prior to June 1st, 2018), and was therefore a candidate for classification through an automated scoring system. Utilizing variant allele frequency, disease prevalence and penetrance estimates, and inheritance mode, an automated score was calculated to assess if this variant is too frequent to cause the disease. Based on the score and internal cut-off values, a variant classified as benign is not then subjected to further curation. The score for this variant resulted in a classification of benign for this disease.

Illumina Laboratory Services, Illumina
Classification: Benign for Autosomal recessive limb-girdle muscular dystrophy type 2J. Last evaluated: 2018-01-13. Review status: criteria provided, single submitter. Criteria: ICSL Variant Classification Criteria 13 December 2019. Collection method: clinical testing. Allele origin: germline.
Comment: the same text as in the submission from Illumina Laboratory Services, Illumina above.

Illumina Laboratory Services, Illumina
Classification: Benign for Early-onset myopathy with fatal cardiomyopathy. Last evaluated: 2018-01-13. Review status: criteria provided, single submitter. Criteria: ICSL Variant Classification Criteria 13 December 2019. Collection method: clinical testing. Allele origin: germline.
Comment: the same text as in the submission from Illumina Laboratory Services, Illumina above.

Illumina Laboratory Services, Illumina
Classification: Benign for Dilated cardiomyopathy 1G. Last evaluated: 2018-01-13. Review status: criteria provided, single submitter. Criteria: ICSL Variant Classification Criteria 13 December 2019. Collection method: clinical testing. Allele origin: germline.
Comment: the same text as in the submission from Illumina Laboratory Services, Illumina above.

Illumina Laboratory Services, Illumina
Classification: Benign for Tibial muscular dystrophy. Last evaluated: 2018-01-13. Review status: criteria provided, single submitter. Criteria: ICSL Variant Classification Criteria 13 December 2019. Collection method: clinical testing. Allele origin: germline.
Comment: the same text as in the submission from Illumina Laboratory Services, Illumina above.

Mayo Clinic Laboratories, Mayo Clinic
Classification: Benign. Last evaluated: 2017-08-24. Review status: criteria provided, single submitter. Criteria: ACMG Guidelines, 2015. Collection method: clinical testing. Allele origin: germline. Observed: 179 variant alleles.

Genetic Services Laboratory, University of Chicago
Classification: Benign for AllHighlyPenetrant. Last evaluated: 2013-08-15. Review status: criteria provided, single submitter. Criteria: ACMG Guidelines, 2007. Collection method: clinical testing. Allele origin: germline.

Ambry Genetics
Classification: Benign for Cardiovascular phenotype. Last evaluated: 2013-01-16. Review status: criteria provided, single submitter. Criteria: Ambry Autosomal Dominant and X-Linked criteria (10/2015). Collection method: clinical testing. Allele origin: germline. Observed: 1 variant allele.

GeneDx
Classification: Benign. Last evaluated: 2012-10-31. Review status: criteria provided, single submitter. Criteria: GeneDx Variant Classification (06012015). Collection method: clinical testing. Allele origin: germline. Affected: yes.
Comment: This variant is considered likely benign or benign based on one or more of the following criteria: it is a conservative change, it occurs at a poorly conserved position in the protein, it is predicted to be benign by multiple in silico algorithms, and/or has population frequency not consistent with disease.

Laboratory for Molecular Medicine, Mass General Brigham Personalized Medicine
Classification: Benign. Last evaluated: 2012-05-23. Review status: criteria provided, single submitter. Criteria: LMM Criteria. Collection method: clinical testing. Allele origin: germline. Observed: 117 variant alleles.

Breakthrough Genomics
Classification: Likely benign. Review status: criteria provided, single submitter. Criteria: ACMG Guidelines, 2015. Collection method: not provided. Allele origin: germline. Inheritance: Autosomal recessive inheritance. Affected: yes.

PreventionGenetics, part of Exact Sciences
Classification: Benign. Review status: criteria provided, single submitter. Criteria: ACMG Guidelines, 2015. Collection method: clinical testing. Allele origin: germline.

Clinical Genetics DNA and cytogenetics Diagnostics Lab, Erasmus MC, Erasmus Medical Center
Classification: Benign. Review status: no assertion criteria provided. Collection method: clinical testing. Allele origin: germline. Affected: yes. Study: VKGL Data-share Consensus. Not counted in ClinVar's aggregate classification.

Clinical Genetics, Academic Medical Center
Classification: Benign. Review status: no assertion criteria provided. Collection method: clinical testing. Allele origin: germline. Affected: yes. Study: VKGL Data-share Consensus. Not counted in ClinVar's aggregate classification.

Laboratory of Diagnostic Genome Analysis, Leiden University Medical Center (LUMC)
Classification: Benign. Review status: no assertion criteria provided. Collection method: clinical testing. Allele origin: germline. Affected: yes. Study: VKGL Data-share Consensus. Not counted in ClinVar's aggregate classification.

NM_001267550.2(TTN):c.105782C>T (p.Pro35261Leu)

Genes: TTN (titin; minus strand), TTN-AS1 (TTN antisense RNA 1; plus strand), LOC129935183 (ATAC-STARR-seq lymphoblastoid active region 16808; plus strand). Cytogenetic location: 2q31.2.
Variant type: single nucleotide variant.
Coding change: c.105782C>T on transcript NM_001267550.2 (MANE Select); coding-DNA position 105782, C replaced by T.
Protein change: p.Pro35261Leu; replaces proline 35261 with leucine.
Molecular consequence: missense variant.
Genome position (GRCh38, 1-based): chr2:178,530,833, G>A on the plus strand (C>T on the coding strand, the complement: TTN is on the minus strand). VCF-style: chr2-178530833-G-A. GRCh37 (hg19) VCF-style: chr2-179395560-G-A.
Other names: p.P32693L:CCG>CTG; c.100859C>T, p.Pro33620Leu (NM_001256850.1); c.78587C>T, p.Pro26196Leu (NM_003319.4); c.98078C>T, p.Pro32693Leu (NM_133378.4); c.78962C>T, p.Pro26321Leu (NM_133432.3); c.79163C>T, p.Pro26388Leu (NM_133437.4); short protein forms P35261L, P32693L, P33620L, P26196L, P26388L, P26321L.
Identifiers: ClinVar variation 47700 (VCV000047700.37), dbSNP rs16866380, ClinGen allele CA284348.